The following is an entry in ClinVar:

NM_000383.4(AIRE):c.376C>T (p.Pro126Ser)

Gene: AIRE (autoimmune regulator; plus strand). Cytogenetic location: 21q22.3.
Variant type: single nucleotide variant.
Coding change: c.376C>T on transcript NM_000383.4 (MANE Select); coding-DNA position 376, C replaced by T.
Protein change: p.Pro126Ser; replaces proline 126 with serine.
Molecular consequence: missense variant.
Genome position (GRCh38, 1-based): chr21:44,287,046, C>T. VCF-style: chr21-44287046-C-T. GRCh37 (hg19) VCF-style: chr21-45706929-C-T.
Other names: short protein forms P126S.
Identifiers: ClinVar variation 3623575 (VCV003623575.2).

ClinVar aggregate classification (germline): Uncertain significance (1 of 4 stars; one submission).

Conditions:
Polyglandular autoimmune syndrome, type 1 (APS1). Also called: Autoimmune polyendocrine syndrome type 1; HYPOADRENOCORTICISM WITH HYPOPARATHYROIDISM AND SUPERFICIAL MONILIASIS; PGA I; Autoimmune polyendocrinopathy syndrome, type I; Autoimmune polyendocrinopathy syndrome , type I, with or without reversible metaphyseal dysplasia; AUTOIMMUNE POLYENDOCRINE SYNDROME, TYPE I, WITH OR WITHOUT REVERSIBLE METAPHYSEAL DYSPLASIA. Identifiers: Orphanet 3453, MedGen C0085859, MONDO:0009411, OMIM 240300.

gnomAD v4.1: 1 of 1,612,686 alleles (0.000062%); highest among the groups gnomAD compares: African/African-American, 0.0013%; no homozygotes.

Submission:

Labcorp Genetics (formerly Invitae), Labcorp
Classification: Uncertain significance for Polyglandular autoimmune syndrome, type 1. Last evaluated: 2024-04-25. Review status: criteria provided, single submitter. Criteria: Invitae Variant Classification Sherloc (09022015). Collection method: clinical testing. Allele origin: germline.
Comment: This sequence change replaces proline, which is neutral and non-polar, with serine, which is neutral and polar, at codon 126 of the AIRE protein (p.Pro126Ser). This variant is not present in population databases (gnomAD no frequency). This variant has not been reported in the literature in individuals affected with AIRE-related conditions. Advanced modeling of protein sequence and biophysical properties (such as structural, functional, and spatial information, amino acid conservation, physicochemical variation, residue mobility, and thermodynamic stability) has been performed at Invitae for this missense variant, however the output from this modeling did not meet the statistical confidence thresholds required to predict the impact of this variant on AIRE protein function. In summary, the available evidence is currently insufficient to determine the role of this variant in disease. Therefore, it has been classified as a Variant of Uncertain Significance.